The following is an entry in ClinVar:

ClinVar aggregate classification (germline): Uncertain significance (1 of 4 stars; one submission).

Allele frequency attached by ClinVar (database versions not stated): TOPMed 0.00001; gnomAD 0.00002 and 0.00005; gnomAD exomes 0.00002; ExAC 0.00003.
gnomAD v4.1: 34 of 1,613,712 alleles (0.0021%); highest among the groups gnomAD compares: Middle Eastern, 0.033%; no homozygotes.

Submission:

Labcorp Genetics (formerly Invitae), Labcorp
Classification: Uncertain significance. Last evaluated: 2022-06-27. Review status: criteria provided, single submitter. Criteria: Invitae Variant Classification Sherloc (09022015). Collection method: clinical testing. Allele origin: germline.
Comment: This sequence change replaces serine, which is neutral and polar, with leucine, which is neutral and non-polar, at codon 1165 of the SPEG protein (p.Ser1165Leu). In summary, the available evidence is currently insufficient to determine the role of this variant in disease. Therefore, it has been classified as a Variant of Uncertain Significance. Algorithms developed to predict the effect of missense changes on protein structure and function are either unavailable or do not agree on the potential impact of this missense change (SIFT: "Deleterious"; PolyPhen-2: "Probably Damaging"; Align-GVGD: "Class C0"). This variant has not been reported in the literature in individuals affected with SPEG-related conditions. This variant is present in population databases (rs778875841, gnomAD 0.007%).

NM_005876.5(SPEG):c.3494C>T (p.Ser1165Leu)

Gene: SPEG (striated muscle enriched protein kinase; plus strand). Cytogenetic location: 2q35.
Variant type: single nucleotide variant.
Coding change: c.3494C>T on transcript NM_005876.5 (MANE Select); coding-DNA position 3494, C replaced by T.
Protein change: p.Ser1165Leu; replaces serine 1165 with leucine.
Molecular consequence: missense variant.
Genome position (GRCh38, 1-based): chr2:219,469,158, C>T. VCF-style: chr2-219469158-C-T. GRCh37 (hg19) VCF-style: chr2-220333880-C-T.
Other names: short protein forms S1165L.
Identifiers: ClinVar variation 1393158 (VCV001393158.6), dbSNP rs778875841, ClinGen allele CA2126201.
Genomic context (GRCh38, chr2:219,469,158, plus strand): 5'-CCAGCCCTGGGGTGGGAGGCACGGCCCTGGGCCTGTGGGCAGCTGTGTGGTCTTGCAGCT[C>T]GAAGCTGGAGAAGATGCCATCCATTCCCGAGGAGCCAGAGCAGGGTGAGCTGGAGCGGCT-3'
Protein context (NP_005867.3, residues 1155-1175): EPRTAASGPS[Ser1165Leu]KLEKMPSIPE